The following is an entry in ClinVar:

NM_006306.4(SMC1A):c.428T>G (p.Ile143Ser)

Gene: SMC1A (structural maintenance of chromosomes 1A; minus strand). Cytogenetic location: Xp11.22.
Variant type: single nucleotide variant.
Coding change: c.428T>G on transcript NM_006306.4 (MANE Select); coding-DNA position 428, T replaced by G.
Protein change: p.Ile143Ser; replaces isoleucine 143 with serine.
Molecular consequence: missense variant.
Genome position (GRCh38, 1-based): chrX:53,413,419, A>C on the plus strand (T>G on the coding strand, the complement: SMC1A is on the minus strand). VCF-style: chrX-53413419-A-C. GRCh37 (hg19) VCF-style: chrX-53440369-A-C.
Other names: c.362T>G, p.Ile121Ser (NM_001281463.1); short protein forms I143S, I121S.
Identifiers: ClinVar variation 1365018 (VCV001365018.6), dbSNP rs2146605688, ClinGen allele CA413259563.
Genomic context (GRCh38, chrX:53,413,419, plus strand): 5'-TCCCCAGAACGACTAATCTCTTCAAATAGAGCTGTCCTCTCTTTGGGGTTCTTCATGGCA[A>C]TAGATTCCACAGCACCCTAGTAAAGGTCGAAACACTCTTCCACTTCAGACCCCAGCCAAC-3'
Protein context (NP_006297.2, residues 133-153): FLVFQGAVES[Ile143Ser]AMKNPKERTA

ClinVar aggregate classification (germline): Uncertain significance (1 of 4 stars; one submission).

Conditions:
Congenital muscular hypertrophy-cerebral syndrome (CDLS2). Also called: SMC1A-Related Cornelia de Lange Syndrome; Cornelia de Lange syndrome 2. Identifiers: Orphanet 199, MedGen C1802395, MONDO:0010370, OMIM 300590.

Submission:

Labcorp Genetics (formerly Invitae), Labcorp
Classification: Uncertain significance for Congenital muscular hypertrophy-cerebral syndrome. Last evaluated: 2023-05-21. Review status: criteria provided, single submitter. Criteria: Invitae Variant Classification Sherloc (09022015). Collection method: clinical testing. Allele origin: germline.
Comment: This sequence change replaces isoleucine, which is neutral and non-polar, with serine, which is neutral and polar, at codon 143 of the SMC1A protein (p.Ile143Ser). In summary, the available evidence is currently insufficient to determine the role of this variant in disease. Therefore, it has been classified as a Variant of Uncertain Significance. Algorithms developed to predict the effect of sequence changes on RNA splicing suggest that this variant may create or strengthen a splice site. Advanced modeling of protein sequence and biophysical properties (such as structural, functional, and spatial information, amino acid conservation, physicochemical variation, residue mobility, and thermodynamic stability) performed at Invitae indicates that this missense variant is expected to disrupt SMC1A protein function. ClinVar contains an entry for this variant (Variation ID: 1365018). This variant has not been reported in the literature in individuals affected with SMC1A-related conditions. This variant is not present in population databases (gnomAD no frequency).